The following is an entry in ClinVar:

NM_018131.5(CEP55):c.1154G>A (p.Arg385Gln)

Gene: CEP55 (centrosomal protein 55; plus strand). Cytogenetic location: 10q23.33.
Variant type: single nucleotide variant.
Coding change: c.1154G>A on transcript NM_018131.5 (MANE Select); coding-DNA position 1154, G replaced by A.
Protein change: p.Arg385Gln; replaces arginine 385 with glutamine.
Molecular consequence: missense variant.
Genome position (GRCh38, 1-based): chr10:93,519,770, G>A. VCF-style: chr10-93519770-G-A. GRCh37 (hg19) VCF-style: chr10-95279527-G-A.
Other names: c.1154G>A, p.Arg385Gln (NM_001127182.2); short protein forms R385Q.
Identifiers: ClinVar variation 2346038 (VCV002346038.4), dbSNP rs578017409, ClinGen allele CA5609114.

ClinVar aggregate classification (germline): Uncertain significance. Review status: criteria provided, multiple submitters, no conflicts (2 of 4 stars). 2 submissions from 2 submitters: Uncertain significance (2). Last evaluated 2024-07-04.

Conditions:
Inborn genetic diseases. Identifiers: MedGen C0950123, MeSH D030342.

Allele frequency attached by ClinVar (database versions not stated): TOPMed 0.00003; gnomAD 0.00004; gnomAD exomes 0.00009; ExAC 0.00012.
gnomAD v4.1: 137 of 1,613,964 alleles (0.0085%); highest among the groups gnomAD compares: South Asian, 0.058%; no homozygotes.

Submissions (2):

Labcorp Genetics (formerly Invitae), Labcorp
Classification: Uncertain significance. Last evaluated: 2024-07-04. Review status: criteria provided, single submitter. Criteria: Invitae Variant Classification Sherloc (09022015). Collection method: clinical testing. Allele origin: germline.
Comment: This sequence change replaces arginine, which is basic and polar, with glutamine, which is neutral and polar, at codon 385 of the CEP55 protein (p.Arg385Gln). This variant is present in population databases (rs578017409, gnomAD 0.06%). This variant has not been reported in the literature in individuals affected with CEP55-related conditions. ClinVar contains an entry for this variant (Variation ID: 2346038). Algorithms developed to predict the effect of missense changes on protein structure and function output the following: SIFT: "Not Available"; PolyPhen-2: "Benign"; Align-GVGD: "Not Available". The glutamine amino acid residue is found in multiple mammalian species, which suggests that this missense change does not adversely affect protein function. In summary, the available evidence is currently insufficient to determine the role of this variant in disease. Therefore, it has been classified as a Variant of Uncertain Significance.

Ambry Genetics
Classification: Uncertain significance for Inborn genetic diseases. Last evaluated: 2021-01-27. Review status: criteria provided, single submitter. Criteria: Ambry Variant Classification Scheme 2023. Collection method: clinical testing. Allele origin: germline.
Comment: The c.1154G>A (p.R385Q) alteration is located in exon 8 (coding exon 7) of the CEP55 gene. This alteration results from a G to A substitution at nucleotide position 1154, causing the arginine (R) at amino acid position 385 to be replaced by a glutamine (Q). The p.R385Q alteration is predicted to be tolerated by in silico analysis. Based on insufficient or conflicting evidence, the clinical significance of this alteration remains unclear.